The following is an entry in ClinVar:

ClinVar aggregate classification (germline): Pathogenic. Review status: criteria provided, multiple submitters, no conflicts (2 of 4 stars). 2 submissions from 2 submitters: Pathogenic (2). Last evaluated 2023-07-26.

Conditions:
Ververi-Brady syndrome. Identifiers: MedGen C4693824, MONDO:0979877, MONDO:0060707.

Submissions (2):

GeneDx
Classification: Pathogenic. Last evaluated: 2023-07-26. Review status: criteria provided, single submitter. Criteria: GeneDx Variant Classification Process June 2021. Collection method: clinical testing. Allele origin: germline. Affected: yes.
Comment: Canonical splice site variant in a gene for which loss-of-function is a known mechanism of disease; Not observed in large population cohorts (gnomAD); This variant is associated with the following publications: (PMID: 37331002, 34859529)

Institute of Human Genetics, University of Leipzig Medical Center
Classification: Pathogenic for Ververi-Brady syndrome 1. Last evaluated: 2021-12-21. Review status: criteria provided, single submitter. Criteria: ACMG Guidelines, 2015. Collection method: research. Allele origin: de novo. Affected: yes.

Literature cited by the submitters: PubMed 34859529 (cited by Institute of Human Genetics, University of Leipzig Medical Center).

NM_198880.3(QRICH1):c.1787-2A>G

Gene: QRICH1 (glutamine rich 1; minus strand). Cytogenetic location: 3p21.31.
Variant type: single nucleotide variant.
Coding change: c.1787-2A>G on transcript NM_198880.3 (MANE Select); the canonical splice acceptor site of the intron before coding-DNA position 1787, A replaced by G.
Molecular consequence: splice acceptor variant.
Genome position (GRCh38, 1-based): chr3:49,033,230, T>C on the plus strand (A>G on the coding strand, the complement: QRICH1 is on the minus strand). VCF-style: chr3-49033230-T-C. GRCh37 (hg19) VCF-style: chr3-49070663-T-C.
Other names: c.1787-2A>G (NM_001320584.1, NM_001320585.1, NM_017730.4 and 4 more transcripts).
Identifiers: ClinVar variation 1329927 (VCV001329927.2), dbSNP rs2106814058, ClinGen allele CA352754571.